The following is an entry in ClinVar:

ClinVar aggregate classification (germline): Likely benign (1 of 4 stars; one submission).

Conditions:
PTPRQ-related disorder. Also called: PTPRQ-related condition.

Submission:

PreventionGenetics, part of Exact Sciences
Classification: Likely benign for PTPRQ-related condition. Last evaluated: 2024-11-22. Review status: criteria provided, single submitter. Criteria: ACMG Guidelines, 2015. Collection method: clinical testing. Allele origin: germline.
Comment: This variant is classified as likely benign based on ACMG/AMP sequence variant interpretation guidelines (Richards et al. 2015 PMID: 25741868, with internal and published modifications).

NM_001145026.2(PTPRQ):c.2892A>G (p.Ser964=)

Gene: PTPRQ (protein tyrosine phosphatase receptor type Q; plus strand). Cytogenetic location: 12q21.31.
Variant type: single nucleotide variant.
Coding change: c.2892A>G on transcript NM_001145026.2 (MANE Select); coding-DNA position 2892, A replaced by G.
Protein change: p.Ser964=; no amino-acid change (serine 964 retained).
Molecular consequence: synonymous variant.
Genome position (GRCh38, 1-based): chr12:80,534,944, A>G. VCF-style: chr12-80534944-A-G. GRCh37 (hg19) VCF-style: chr12-80928723-A-G.
Identifiers: ClinVar variation 4994775 (VCV004994775.1).